The following is an entry in ClinVar:

ClinVar aggregate classification (germline): Benign/Likely benign. Review status: criteria provided, multiple submitters, no conflicts (2 of 4 stars). 12 submissions from 12 submitters: Benign (9); Likely benign (1). 2 of the submissions do not count toward it. Last evaluated 2026-02-04.

Conditions:
Collagen 6-related myopathy. Identifiers: MedGen CN117976, MONDO:0100225.
Bethlem myopathy 1A. Also called: MYOPATHY, BENIGN CONGENITAL, WITH CONTRACTURES; Bethlem myopathy 1; Bethlem Muscular Dystrophy. Identifiers: Orphanet 610, MedGen CN029274, MONDO:0024530, OMIM 158810.

Allele frequency attached by ClinVar (database versions not stated): 1000 Genomes Project 30x 0.03107; 1000 Genomes Project 0.03255; ESP Exome Variant Server 0.07197; TOPMed 0.05747; ExAC 0.06728.

Submissions (23):

Labcorp Genetics (formerly Invitae), Labcorp
Classification: Benign for Bethlem myopathy 1A. Last evaluated: 2026-02-04. Review status: criteria provided, single submitter. Criteria: Invitae Variant Classification Sherloc (09022015). Collection method: clinical testing. Allele origin: germline.

Blueprint Genetics
Classification: Likely benign. Last evaluated: 2024-11-26. Review status: criteria provided, single submitter. Criteria: ACMG Guidelines, 2015. Collection method: clinical testing. Allele origin: germline.

Athena Diagnostics
Classification: Benign. Last evaluated: 2017-08-25. Review status: criteria provided, single submitter. Criteria: Athena Diagnostics Criteria. Collection method: clinical testing. Allele origin: germline.

Mayo Clinic Laboratories, Mayo Clinic
Classification: Benign. Last evaluated: 2017-07-12. Review status: criteria provided, single submitter. Criteria: ACMG Guidelines, 2015. Collection method: clinical testing. Allele origin: germline. Observed: 125 variant alleles.

Illumina Laboratory Services, Illumina
Classification: Benign for Collagen VI-related myopathy. Last evaluated: 2017-04-27. Review status: criteria provided, single submitter. Criteria: ICSL Variant Classification Criteria 13 December 2019. Collection method: clinical testing. Allele origin: germline.
Comment: This variant was observed as part of a predisposition screen in an ostensibly healthy population. A literature search was performed for the gene, cDNA change, and amino acid change (where applicable). No publications were found based on this search. Allele frequency data from public databases was too high to be consistent with this variant causing disease. Therefore, this variant is classified as benign.

GeneDx
Classification: Benign. Last evaluated: 2016-01-25. Review status: criteria provided, single submitter. Criteria: GeneDx Variant Classification (06012015). Collection method: clinical testing. Allele origin: germline. Affected: yes.
Comment: This variant is considered likely benign or benign based on one or more of the following criteria: it is a conservative change, it occurs at a poorly conserved position in the protein, it is predicted to be benign by multiple in silico algorithms, and/or has population frequency not consistent with disease.

Genetic Services Laboratory, University of Chicago
Classification: Benign for AllHighlyPenetrant. Last evaluated: 2013-08-15. Review status: criteria provided, single submitter. Criteria: ACMG Guidelines, 2007. Collection method: clinical testing. Allele origin: germline.

Eurofins Ntd Llc (ga)
Classification: Benign. Last evaluated: 2012-08-07. Review status: criteria provided, single submitter. Criteria: EGL Classification Definitions 2015. Collection method: clinical testing. Allele origin: germline. Observed: 11 variant alleles, 11 heterozygotes.

Breakthrough Genomics
Classification: Benign. Review status: criteria provided, single submitter. Criteria: ACMG Guidelines, 2015. Collection method: not provided. Allele origin: germline. Inheritance: Autosomal recessive inheritance. Affected: yes.

PreventionGenetics, part of Exact Sciences
Classification: Benign. Review status: criteria provided, single submitter. Criteria: ACMG Guidelines, 2015. Collection method: clinical testing. Allele origin: germline.

Clinical Genetics, Academic Medical Center
Classification: Benign. Review status: no assertion criteria provided. Collection method: clinical testing. Allele origin: germline. Affected: yes. Study: VKGL Data-share Consensus. Not counted in ClinVar's aggregate classification.

Dr. Peter K. Rogan Lab, Western University
No classification provided (evidence only). Condition: Colorectal cancer. Review status: no classification provided. Collection method: in vitro. Allele origin: not applicable. Functional consequence: retained intron. Not counted in ClinVar's aggregate classification.

Dr. Peter K. Rogan Lab, Western University
No classification provided (evidence only). Condition: Colorectal cancer. Review status: no classification provided. Collection method: in vitro. Allele origin: not applicable. Functional consequence: retained intron. Not counted in ClinVar's aggregate classification.

Dr. Peter K. Rogan Lab, Western University
No classification provided (evidence only). Condition: Colorectal cancer. Review status: no classification provided. Collection method: in vitro. Allele origin: not applicable. Functional consequence: retained intron. Not counted in ClinVar's aggregate classification.

Dr. Peter K. Rogan Lab, Western University
No classification provided (evidence only). Condition: Cholangiocarcinoma. Review status: no classification provided. Collection method: in vitro. Allele origin: not applicable. Functional consequence: retained intron. Not counted in ClinVar's aggregate classification.

Dr. Peter K. Rogan Lab, Western University
No classification provided (evidence only). Condition: Cholangiocarcinoma. Review status: no classification provided. Collection method: in vitro. Allele origin: not applicable. Functional consequence: retained intron. Not counted in ClinVar's aggregate classification.

Dr. Peter K. Rogan Lab, Western University
No classification provided (evidence only). Condition: Uterine carcinosarcoma. Review status: no classification provided. Collection method: in vitro. Allele origin: not applicable. Functional consequence: retained intron. Not counted in ClinVar's aggregate classification.

Dr. Peter K. Rogan Lab, Western University
No classification provided (evidence only). Condition: Uterine carcinosarcoma. Review status: no classification provided. Collection method: in vitro. Allele origin: not applicable. Functional consequence: retained intron. Not counted in ClinVar's aggregate classification.

Dr. Peter K. Rogan Lab, Western University
No classification provided (evidence only). Condition: Uterine carcinosarcoma. Review status: no classification provided. Collection method: in vitro. Allele origin: not applicable. Functional consequence: retained intron. Not counted in ClinVar's aggregate classification.

Dr. Peter K. Rogan Lab, Western University
No classification provided (evidence only). Condition: Uterine carcinosarcoma. Review status: no classification provided. Collection method: in vitro. Allele origin: not applicable. Functional consequence: retained intron. Not counted in ClinVar's aggregate classification.

Dr. Peter K. Rogan Lab, Western University
No classification provided (evidence only). Condition: Uterine carcinosarcoma. Review status: no classification provided. Collection method: in vitro. Allele origin: not applicable. Functional consequence: retained intron. Not counted in ClinVar's aggregate classification.

Dr. Peter K. Rogan Lab, Western University
No classification provided (evidence only). Condition: Uterine carcinosarcoma. Review status: no classification provided. Collection method: in vitro. Allele origin: not applicable. Functional consequence: retained intron. Not counted in ClinVar's aggregate classification.

Joint Genome Diagnostic Labs from Nijmegen and Maastricht, Radboudumc and MUMC+
Classification: Benign. Review status: no assertion criteria provided. Collection method: clinical testing. Allele origin: germline. Affected: yes. Study: VKGL Data-share Consensus. Not counted in ClinVar's aggregate classification.

NM_004369.4(COL6A3):c.8491G>C (p.Asp2831His)

Gene: COL6A3 (collagen type VI alpha 3 chain; minus strand). Cytogenetic location: 2q37.3.
Variant type: single nucleotide variant.
Coding change: c.8491G>C on transcript NM_004369.4 (MANE Select); coding-DNA position 8491, G replaced by C.
Protein change: p.Asp2831His; replaces aspartic acid 2831 with histidine.
Molecular consequence: missense variant.
Genome position (GRCh38, 1-based): chr2:237,339,091, C>G on the plus strand (G>C on the coding strand, the complement: COL6A3 is on the minus strand). VCF-style: chr2-237339091-C-G. GRCh37 (hg19) VCF-style: chr2-238247734-C-G.
Other names: c.6670G>C, p.Asp2224His (NM_057166.5); c.7873G>C, p.Asp2625His (NM_057167.4); short protein forms D2224H, D2625H.
Identifiers: ClinVar variation 95006 (VCV000095006.28), dbSNP rs36104025, ClinGen allele CA148066.